The following is an entry in ClinVar:

NM_033028.5(BBS4):c.332+2_332+3insTT

Gene: BBS4 (Bardet-Biedl syndrome 4; plus strand). Cytogenetic location: 15q24.1.
Variant type: Insertion.
Coding change: c.332+2_332+3insTT on transcript NM_033028.5 (MANE Select); the canonical splice donor site of the intron after coding-DNA position 332 through 3 bases into the intron after coding-DNA position 332, TT inserted.
Molecular consequence: splice donor variant.
Genome position: GRCh38 VCF-style: chr15-72715403-G-GTT. GRCh37 (hg19) VCF-style: chr15-73007744-G-GTT.
Other names: c.332+2_332+3insTT (NM_001320665.2, NM_033028.4); c.-190+2_-190+3insTT (NM_001252678.2).
Identifiers: ClinVar variation 1012856 (VCV001012856.41), dbSNP rs753360929, ClinGen allele CA7646578.

ClinVar aggregate classification (germline): Pathogenic/Likely pathogenic. Review status: criteria provided, multiple submitters, no conflicts (2 of 4 stars). 4 submissions from 4 submitters: Pathogenic (1); Likely pathogenic (3). Last evaluated 2025-01-13.

Conditions:
BBS4-related disorder. Also called: BBS4-related condition.
Bardet-Biedl syndrome 4 (BBS4). Identifiers: Orphanet 110, MedGen C2936864, MONDO:0014433, OMIM 615982.

Submissions (4):

PreventionGenetics, part of Exact Sciences
Classification: Likely pathogenic for BBS4-related condition. Last evaluated: 2025-01-13. Review status: criteria provided, single submitter. Criteria: ACMG Guidelines, 2015. Collection method: clinical testing. Allele origin: germline.
Comment: The BBS4 c.332+2_332+3insTT variant is predicted to result in an in-frame amino acid insertion (Splicing). This variant has been reported in the homozygous state in at least four individuals with Bardet-Biedl syndrome (Knopp et al. 2015. PubMed ID: 26003401; Zacchia et al. 2021. PubMed ID: 33964006) and in the compound heterozygous state in one affected individual (Zacchia et al. 2021. PubMed ID: 33964006). This variant is predicted to alter splicing based on available splicing prediction programs (SpliceAI, Jaganathan et al. 2019. PubMed ID: 30661751). However, the use of computer prediction programs is not equivalent to functional evidence. This variant is reported in 0.0018% of alleles in individuals of European (Non-Finnish) descent in gnomAD. This variant is interpreted as likely pathogenic.

Fulgent Genetics
Classification: Likely pathogenic for Bardet-Biedl syndrome 4. Last evaluated: 2024-05-16. Review status: criteria provided, single submitter. Criteria: ACMG Guidelines, 2015. Collection method: clinical testing. Allele origin: germline.

Baylor Genetics
Classification: Pathogenic for Bardet-Biedl syndrome 4. Last evaluated: 2023-10-21. Review status: criteria provided, single submitter. Criteria: ACMG Guidelines, 2015. Collection method: clinical testing. Allele origin: unknown.

CeGaT Center for Human Genetics Tuebingen
Classification: Likely pathogenic. Last evaluated: 2020-09-01. Review status: criteria provided, single submitter. Criteria: CeGaT Center For Human Genetics Tuebingen Variant Classification Criteria Version 2. Collection method: clinical testing. Allele origin: germline. Affected: yes. Observed: 1 variant allele.